The following is an entry in ClinVar:

NM_007294.4(BRCA1):c.5530C>T (p.Leu1844Phe)

Gene: BRCA1 (BRCA1 DNA repair associated; minus strand). Cytogenetic location: 17q21.31.
Variant type: single nucleotide variant.
Coding change: c.5530C>T on transcript NM_007294.4 (MANE Select); coding-DNA position 5530, C replaced by T.
Protein change: p.Leu1844Phe; replaces leucine 1844 with phenylalanine.
Molecular consequence: missense variant. On other transcripts: 3 prime UTR variant (1), non-coding transcript variant (1).
Genome position (GRCh38, 1-based): chr17:43,045,740, G>A on the plus strand (C>T on the coding strand, the complement: BRCA1 is on the minus strand). VCF-style: chr17-43045740-G-A. GRCh37 (hg19) VCF-style: chr17-41197757-G-A.
Other names: c.5389C>T, p.Leu1797Phe (NM_001407727.1, NM_001407728.1, NM_001407729.1 and 12 more transcripts); c.5386C>T, p.Leu1796Phe (NM_001407732.1, NM_001407733.1, NM_001407734.1 and 18 more transcripts); c.5530C>T, p.Leu1844Phe (NM_001407594.1, NM_001407596.1, NM_001407597.1 and 5 more transcripts); c.5527C>T, p.Leu1843Phe (NM_001407610.1, NM_001407611.1, NM_001407612.1 and 14 more transcripts); c.5524C>T, p.Leu1842Phe (NM_001407627.1, NM_001407628.1, NM_001407629.1 and 13 more transcripts); c.5521C>T, p.Leu1841Phe (NM_001407644.1, NM_001407645.1); c.5518C>T, p.Leu1840Phe (NM_001407646.1); c.5515C>T, p.Leu1839Phe (NM_001407647.1); and 74 more; short protein forms L740F, L1844F, L1797F, L1865F, L1547F, L1675F, L1716F, L1731F.
Identifiers: ClinVar variation 868626 (VCV000868626.12), dbSNP rs1471435242, ClinGen allele CA10590259.

ClinVar aggregate classification (germline): Uncertain significance (1 of 4 stars; one submission).

Conditions:
Hereditary breast ovarian cancer syndrome. Also called: Hereditary breast and ovarian cancer; Hereditary breast and ovarian cancer syndrome (HBOC); Breast and ovarian cancer; Hereditary breast and/or ovarian cancer syndrome; BRCA1- and BRCA2-Associated Hereditary Breast and Ovarian Cancer; Hereditary breast and ovarian cancer syndrome. Identifiers: Orphanet 145, MedGen C0677776, MeSH D061325, MONDO:0003582. Disease mechanism: loss of function.

Submissions (2):

Labcorp Genetics (formerly Invitae), Labcorp
Classification: Uncertain significance for Hereditary breast ovarian cancer syndrome. Last evaluated: 2022-08-06. Review status: criteria provided, single submitter. Criteria: Invitae Variant Classification Sherloc (09022015). Collection method: clinical testing. Allele origin: germline.
Comment: In summary, the available evidence is currently insufficient to determine the role of this variant in disease. Therefore, it has been classified as a Variant of Uncertain Significance. Experimental studies have shown that this missense change does not substantially affect BRCA1 function (PMID: 30209399). Advanced modeling of experimental studies (such as gene expression, population dynamics, functional pathways, and cell-cycle effects in cell culture) performed at Invitae indicates that this missense variant is not expected to disrupt BRCA1 protein function. ClinVar contains an entry for this variant (Variation ID: 868626). This variant has not been reported in the literature in individuals affected with BRCA1-related conditions. This variant is not present in population databases (gnomAD no frequency). This sequence change replaces leucine, which is neutral and non-polar, with phenylalanine, which is neutral and non-polar, at codon 1844 of the BRCA1 protein (p.Leu1844Phe).

Brotman Baty Institute, University of Washington
No classification provided (evidence only). Condition: Breast-ovarian cancer, familial 1. Review status: no classification provided. Collection method: in vitro. Allele origin: not applicable. Functional consequence: functionally_normal. Not counted in ClinVar's aggregate classification.
ClinVar note: "not provided" was previously submitted as the classification for the variant. However, the classification appeared to be based only on an observation of functional data so it was converted to no classification on 2025-07-30.

Literature cited by the submitters: PubMed 30209399 (cited by Labcorp Genetics (formerly Invitae), Labcorp).